The following is an entry in ClinVar:

NM_001267550.2(TTN):c.97795G>A (p.Ala32599Thr)

Genes: TTN-AS1 (TTN antisense RNA 1; plus strand), TTN (titin; minus strand). Cytogenetic location: 2q31.2.
Variant type: single nucleotide variant.
Coding change: c.97795G>A on transcript NM_001267550.2 (MANE Select); coding-DNA position 97795, G replaced by A.
Protein change: p.Ala32599Thr; replaces alanine 32599 with threonine.
Molecular consequence: missense variant.
Genome position (GRCh38, 1-based): chr2:178,541,282, C>T on the plus strand (G>A on the coding strand, the complement: TTN is on the minus strand). VCF-style: chr2-178541282-C-T. GRCh37 (hg19) VCF-style: chr2-179406009-C-T.
Other names: c.92872G>A, p.Ala30958Thr (NM_001256850.1); c.70600G>A, p.Ala23534Thr (NM_003319.4); c.90091G>A, p.Ala30031Thr (NM_133378.4); c.70975G>A, p.Ala23659Thr (NM_133432.3); c.71176G>A, p.Ala23726Thr (NM_133437.4); short protein forms A30031T, A32599T, A23534T, A23659T, A30958T, A23726T.
Identifiers: ClinVar variation 863107 (VCV000863107.8), dbSNP rs1694398754, ClinGen allele CA349436501.

ClinVar aggregate classification (germline): Uncertain significance (1 of 4 stars; one submission).

Conditions:
Dilated cardiomyopathy 1G (CMD1G). Identifiers: Orphanet 154, MedGen C1858763, MONDO:0011400, OMIM 604145.
Autosomal recessive limb-girdle muscular dystrophy type 2J (LGMDR10). Also called: MUSCULAR DYSTROPHY, LIMB-GIRDLE, AUTOSOMAL RECESSIVE 10; Limb-girdle muscular dystrophy, type 2J. Identifiers: Orphanet 140922, MedGen C1837342, MONDO:0012127, OMIM 608807.

Allele frequency attached by ClinVar (database versions not stated): gnomAD exomes below 0.00001.
gnomAD v4.1: 5 of 1,492,228 alleles (0.00034%); highest among the groups gnomAD compares: Non-Finnish European, 0.00045%; no homozygotes.

Submission:

Labcorp Genetics (formerly Invitae), Labcorp
Classification: Uncertain significance for Dilated cardiomyopathy 1G; Autosomal recessive limb-girdle muscular dystrophy type 2J. Last evaluated: 2024-11-18. Review status: criteria provided, single submitter. Criteria: Invitae Variant Classification Sherloc (09022015). Collection method: clinical testing. Allele origin: germline.
Comment: This sequence change replaces alanine, which is neutral and non-polar, with threonine, which is neutral and polar, at codon 32599 of the TTN protein (p.Ala32599Thr). This variant also falls at the last nucleotide of exon 350, which is part of the consensus splice site for this exon. This variant is not present in population databases (gnomAD no frequency). This variant has not been reported in the literature in individuals affected with TTN-related conditions. ClinVar contains an entry for this variant (Variation ID: 863107). Experimental studies and prediction algorithms are not available or were not evaluated, and the functional significance of this variant is currently unknown. Variants that disrupt the consensus splice site are a relatively common cause of aberrant splicing (PMID: 17576681, 9536098). This variant is located in the A band of TTN (PMID: 25589632). Variants in this region may be relevant for cardiac or neuromuscular disorders (PMID: 25589632, 23975875). In summary, the available evidence is currently insufficient to determine the role of this variant in disease. Therefore, it has been classified as a Variant of Uncertain Significance.

Literature cited by the submitters: PubMed 17576681; PubMed 9536098; PubMed 25589632; PubMed 23975875.